The following is an entry in ClinVar:

NM_176787.5(PIGN):c.2411T>A (p.Ile804Lys)

Gene: PIGN (phosphatidylinositol glycan anchor biosynthesis class N; minus strand). Cytogenetic location: 18q21.33.
Variant type: single nucleotide variant.
Coding change: c.2411T>A on transcript NM_176787.5 (MANE Select); coding-DNA position 2411, T replaced by A.
Protein change: p.Ile804Lys; replaces isoleucine 804 with lysine.
Molecular consequence: missense variant.
Genome position (GRCh38, 1-based): chr18:62,085,224, A>T on the plus strand (T>A on the coding strand, the complement: PIGN is on the minus strand). VCF-style: chr18-62085224-A-T. GRCh37 (hg19) VCF-style: chr18-59752457-A-T.
Other names: c.2411T>A, p.Ile804Lys (NM_012327.6); short protein forms I804K.
Identifiers: ClinVar variation 798141 (VCV000798141.10), dbSNP rs199672087, ClinGen allele CA8981994.

ClinVar aggregate classification (germline): Likely benign. Review status: criteria provided, multiple submitters, no conflicts (2 of 4 stars). 3 submissions from 3 submitters: Likely benign (2). 1 of the submissions does not count toward it. Last evaluated 2021-08-09.

Conditions:
PIGN-related disorder. Also called: PIGN-related condition.
Multiple congenital anomalies-hypotonia-seizures syndrome 1 (MCAHS1). Also called: PIGN-CDG; Congenital disorder of glycosylation due to PIGN deficiency; GLYCOSYLPHOSPHATIDYLINOSITOL BIOSYNTHESIS DEFECT 3. Identifiers: Orphanet 280633, MedGen C3279775, MONDO:0013563, OMIM 614080.
Inborn genetic diseases. Identifiers: MedGen C0950123, MeSH D030342.

Allele frequency attached by ClinVar (database versions not stated): ExAC 0.00027; 1000 Genomes Project 0.00120; TOPMed 0.00095; 1000 Genomes Project 30x 0.00141; gnomAD 0.00054.
gnomAD v4.1: 205 of 1,538,128 alleles (0.013%); highest among the groups gnomAD compares: African/African-American, 0.26%; 1 homozygote.

Submissions (3):

Ambry Genetics
Classification: Likely benign for Inborn genetic diseases. Last evaluated: 2021-08-09. Review status: criteria provided, single submitter. Criteria: Ambry Variant Classification Scheme 2023. Collection method: clinical testing. Allele origin: germline.

Labcorp Genetics (formerly Invitae), Labcorp
Classification: Likely benign for Multiple congenital anomalies-hypotonia-seizures syndrome 1. Last evaluated: 2020-11-13. Review status: criteria provided, single submitter. Criteria: Invitae Variant Classification Sherloc (09022015). Collection method: clinical testing. Allele origin: germline.

PreventionGenetics, part of Exact Sciences
Classification: Likely benign for PIGN-related condition. Last evaluated: 2022-05-20. Review status: no assertion criteria provided. Collection method: clinical testing. Allele origin: germline. Not counted in ClinVar's aggregate classification.
Comment: This variant is classified as likely benign based on ACMG/AMP sequence variant interpretation guidelines (Richards et al. 2015 PMID: 25741868, with internal and published modifications).